The following is an entry in ClinVar:

NM_000038.6(APC):c.5802C>G (p.Pro1934=)

Gene: APC (APC regulator of Wnt signaling pathway; plus strand). Cytogenetic location: 5q22.2.
Variant type: single nucleotide variant.
Coding change: c.5802C>G on transcript NM_000038.6 (MANE Select); coding-DNA position 5802, C replaced by G.
Protein change: p.Pro1934=; no amino-acid change (proline 1934 retained).
Molecular consequence: synonymous variant.
Genome position (GRCh38, 1-based): chr5:112,841,396, C>G. VCF-style: chr5-112841396-C-G. GRCh37 (hg19) VCF-style: chr5-112177093-C-G.
Other names: c.5529C>G, p.Pro1843= (NM_001354902.2); c.5499C>G, p.Pro1833= (NM_001354903.2); c.5424C>G, p.Pro1808= (NM_001354904.2); c.5322C>G, p.Pro1774= (NM_001354905.2); c.4953C>G, p.Pro1651= (NM_001354906.2); c.5802C>G, p.Pro1934= (NM_001127510.3, NM_001354895.2); c.5748C>G, p.Pro1916= (NM_001127511.3); c.5856C>G, p.Pro1952= (NM_001354896.2); and 5 more.
Identifiers: ClinVar variation 230852 (VCV000230852.20), dbSNP rs876658810, ClinGen allele CA10578412.

ClinVar aggregate classification (germline): Benign/Likely benign. Review status: criteria provided, multiple submitters, no conflicts (2 of 4 stars). 5 submissions from 5 submitters: Benign (1); Likely benign (4). Last evaluated 2025-09-03.

Conditions:
Hereditary cancer-predisposing syndrome. Also called: Neoplastic Syndromes, Hereditary; Tumor predisposition; Hereditary Cancer Syndrome; Hereditary neoplastic syndrome. Identifiers: Orphanet 140162, MedGen C0027672, MeSH D009386, MONDO:0015356.
Familial adenomatous polyposis 1 (FAP1). Also called: FAMILIAL ADENOMATOUS POLYPOSIS 1, ATTENUATED; POLYPOSIS, ADENOMATOUS INTESTINAL. Identifiers: MedGen C2713442, MONDO:0021056, OMIM 175100. Disease mechanism: loss of function.

Allele frequency attached by ClinVar (database versions not stated): gnomAD exomes below 0.00001 and 0.00001; TOPMed below 0.00001.
gnomAD v4.1: 4 of 1,613,820 alleles (0.00025%); highest among the groups gnomAD compares: Admixed American, 0.0033%; no homozygotes.

Submissions (5):

Labcorp Genetics (formerly Invitae), Labcorp
Classification: Likely benign for Familial adenomatous polyposis 1. Last evaluated: 2025-09-03. Review status: criteria provided, single submitter. Criteria: Invitae Variant Classification Sherloc (09022015). Collection method: clinical testing. Allele origin: germline.

Myriad Genetics, Inc.
Classification: Benign for Familial adenomatous polyposis 1. Last evaluated: 2024-04-02. Review status: criteria provided, single submitter. Criteria: Myriad Autosomal Dominant, Autosomal Recessive and X-Linked Classification Criteria (2023). Collection method: clinical testing. Allele origin: unknown.
Comment: This variant is considered benign. This variant is a silent/synonymous amino acid change and it is not expected to impact splicing.

Color Diagnostics, LLC DBA Color Health
Classification: Likely benign for Hereditary cancer-predisposing syndrome. Last evaluated: 2017-11-06. Review status: criteria provided, single submitter. Criteria: ACMG Guidelines, 2015. Collection method: clinical testing. Allele origin: germline.

GeneDx
Classification: Likely benign. Last evaluated: 2016-04-26. Review status: criteria provided, single submitter. Criteria: GeneDx Variant Classification (06012015). Collection method: clinical testing. Allele origin: germline. Affected: yes.
Comment: This variant is considered likely benign or benign based on one or more of the following criteria: it is a conservative change, it occurs at a poorly conserved position in the protein, it is predicted to be benign by multiple in silico algorithms, and/or has population frequency not consistent with disease.

Ambry Genetics
Classification: Likely benign for Hereditary cancer-predisposing syndrome. Last evaluated: 2015-03-11. Review status: criteria provided, single submitter. Criteria: Ambry Variant Classification Scheme 2023. Collection method: clinical testing. Allele origin: germline.